The following is an entry in ClinVar:

ClinVar aggregate classification (germline): Uncertain significance. Review status: criteria provided, multiple submitters, no conflicts (2 of 4 stars). 2 submissions from 2 submitters: Uncertain significance (2). Last evaluated 2024-03-06.

Conditions:
Familial thoracic aortic aneurysm and aortic dissection (TAAD). Also called: Thoracic aortic aneurysms and dissections. Identifiers: Orphanet 91387, MedGen C4707243, MONDO:0019625.

Submissions (2):

Color Diagnostics, LLC DBA Color Health
Classification: Uncertain significance for Familial thoracic aortic aneurysm and aortic dissection. Last evaluated: 2024-03-06. Review status: criteria provided, single submitter. Criteria: ACMG Guidelines, 2015. Collection method: clinical testing. Allele origin: germline.
Comment: This missense variant replaces serine with arginine at codon 2049 of the FBN1 protein. Computational prediction suggests that this variant may not impact protein structure and function (internally defined REVEL score threshold <= 0.5, PMID: 27666373). Splice site prediction tools suggest that this variant may not impact RNA splicing. To our knowledge, functional studies have not been performed for this variant. This variant has not been reported in individuals affected with cardiovascular disorders in the literature. This variant has not been identified in the general population by the Genome Aggregation Database (gnomAD). The available evidence is insufficient to determine the role of this variant in disease conclusively. Therefore, this variant is classified as a Variant of Uncertain Significance.

Blueprint Genetics
Classification: Uncertain significance. Last evaluated: 2021-01-13. Review status: criteria provided, single submitter. Criteria: ACMG Guidelines, 2015. Collection method: clinical testing. Allele origin: germline.

NM_000138.5(FBN1):c.6147T>A (p.Ser2049Arg)

Gene: FBN1 (fibrillin 1; minus strand). Cytogenetic location: 15q21.1.
Variant type: single nucleotide variant.
Coding change: c.6147T>A on transcript NM_000138.5 (MANE Select); coding-DNA position 6147, T replaced by A.
Protein change: p.Ser2049Arg; replaces serine 2049 with arginine.
Molecular consequence: missense variant.
Genome position (GRCh38, 1-based): chr15:48,441,737, A>T on the plus strand (T>A on the coding strand, the complement: FBN1 is on the minus strand). VCF-style: chr15-48441737-A-T. GRCh37 (hg19) VCF-style: chr15-48733934-A-T.
Other names: short protein forms S2049R.
Identifiers: ClinVar variation 923481 (VCV000923481.5), dbSNP rs553959381, ClinGen allele CA269530690.